The following is an entry in ClinVar:

ClinVar aggregate classification (germline): Uncertain significance (1 of 4 stars; one submission).

Conditions:
Charcot-Marie-Tooth disease type 2. Also called: Charcot-Marie-Tooth type 2. Identifiers: Orphanet 64746, MedGen C0270914, MONDO:0018993.

Allele frequency attached by ClinVar (database versions not stated): TOPMed below 0.00001; gnomAD exomes below 0.00001; gnomAD 0.00001.

Submission:

Labcorp Genetics (formerly Invitae), Labcorp
Classification: Uncertain significance for Charcot-Marie-Tooth disease type 2. Last evaluated: 2021-09-04. Review status: criteria provided, single submitter. Criteria: Invitae Variant Classification Sherloc (09022015). Collection method: clinical testing. Allele origin: germline.
Comment: This sequence change replaces glutamine with glutamic acid at codon 311 of the MED25 protein (p.Gln311Glu). The glutamine residue is moderately conserved and there is a small physicochemical difference between glutamine and glutamic acid. This variant is not present in population databases (ExAC no frequency). This variant has not been reported in the literature in individuals affected with MED25-related conditions. Algorithms developed to predict the effect of missense changes on protein structure and function are either unavailable or do not agree on the potential impact of this missense change (SIFT: "Deleterious"; PolyPhen-2: "Benign"; Align-GVGD: "Class C0"). Algorithms developed to predict the effect of sequence changes on RNA splicing suggest that this variant may create or strengthen a splice site. In summary, the available evidence is currently insufficient to determine the role of this variant in disease. Therefore, it has been classified as a Variant of Uncertain Significance.

NM_030973.4(MED25):c.931C>G (p.Gln311Glu)

Gene: MED25 (mediator complex subunit 25; plus strand). Cytogenetic location: 19q13.33.
Variant type: single nucleotide variant.
Coding change: c.931C>G on transcript NM_030973.4 (MANE Select); coding-DNA position 931, C replaced by G.
Protein change: p.Gln311Glu; replaces glutamine 311 with glutamic acid.
Molecular consequence: missense variant.
Genome position (GRCh38, 1-based): chr19:49,830,717, C>G. VCF-style: chr19-49830717-C-G. GRCh37 (hg19) VCF-style: chr19-50333974-C-G.
Other names: c.931C>G, p.Gln311Glu (NM_001378355.1); short protein forms Q311E.
Identifiers: ClinVar variation 1436173 (VCV001436173.3), dbSNP rs2074049438, ClinGen allele CA406914860.